The following is an entry in ClinVar:

ClinVar aggregate classification (germline): Uncertain significance (1 of 4 stars; one submission).

Submission:

Laboratorio de Genetica e Diagnostico Molecular, Hospital Israelita Albert Einstein
Classification: Uncertain significance. Last evaluated: 2020-10-30. Review status: criteria provided, single submitter. Criteria: ACMG Guidelines, 2015. Collection method: clinical testing. Allele origin: germline. Affected: yes.
Comment: ACMG classification criteria: PM2

NM_001270.4(CHD1):c.4957A>G (p.Lys1653Glu)

Gene: CHD1 (chromodomain helicase DNA binding protein 1; minus strand). Cytogenetic location: 5q15.
Variant type: single nucleotide variant.
Coding change: c.4957A>G on transcript NM_001270.4 (MANE Select); coding-DNA position 4957, A replaced by G.
Protein change: p.Lys1653Glu; replaces lysine 1653 with glutamic acid.
Molecular consequence: missense variant. On other transcripts: non-coding transcript variant (2).
Genome position (GRCh38, 1-based): chr5:98,856,556, T>C on the plus strand (A>G on the coding strand, the complement: CHD1 is on the minus strand). VCF-style: chr5-98856556-T-C. GRCh37 (hg19) VCF-style: chr5-98192260-T-C.
Other names: c.5221A>G, p.Lys1741Glu (NM_001364113.3); c.4957A>G, p.Lys1653Glu (NM_001376194.2); short protein forms K1653E, K1741E.
Identifiers: ClinVar variation 1690950 (VCV001690950.2), dbSNP rs2112435807, ClinGen allele CA360514856.